The following is an entry in ClinVar:

NM_021076.4(NEFH):c.2737_2742del (p.Lys913_Val914del)

Gene: NEFH (neurofilament heavy chain; plus strand). Cytogenetic location: 22q12.2.
Variant type: Deletion.
Coding change: c.2737_2742del on transcript NM_021076.4 (MANE Select); coding-DNA positions 2737 to 2742, 6 bases deleted (AAGGTG; older notation c.2737_2742delAAGGTG).
Protein change: p.Lys913_Val914del.
Molecular consequence: inframe deletion.
Genome position (GRCh38, 1-based): chr22:29,490,377-29,490,382, AAGGTG deleted. VCF-style (leftmost placement, unchanged base first): chr22-29490376-CAAGGTG-C. GRCh37 (hg19) VCF-style: chr22-29886365-CAAGGTG-C.
Identifiers: ClinVar variation 1351277 (VCV001351277.8), dbSNP rs2146401676, ClinGen allele CA2573158075.

ClinVar aggregate classification (germline): Uncertain significance (1 of 4 stars; one submission).

Submission:

Labcorp Genetics (formerly Invitae), Labcorp
Classification: Uncertain significance. Last evaluated: 2021-05-04. Review status: criteria provided, single submitter. Criteria: Invitae Variant Classification Sherloc (09022015). Collection method: clinical testing. Allele origin: germline.
Comment: This variant, c.2737_2742del, results in the deletion of 2 amino acid(s) of the NEFH protein (p.Lys913_Val914del), but otherwise preserves the integrity of the reading frame. This variant is not present in population databases (ExAC no frequency). This variant has not been reported in the literature in individuals with NEFH-related conditions. Experimental studies and prediction algorithms are not available or were not evaluated, and the functional significance of this variant is currently unknown. In summary, the available evidence is currently insufficient to determine the role of this variant in disease. Therefore, it has been classified as a Variant of Uncertain Significance.